The following is an entry in ClinVar:

NM_000540.3(RYR1):c.12535C>G (p.Arg4179Gly)

Gene: RYR1 (ryanodine receptor 1; plus strand). Cytogenetic location: 19q13.2.
Variant type: single nucleotide variant.
Coding change: c.12535C>G on transcript NM_000540.3 (MANE Select); coding-DNA position 12535, C replaced by G.
Protein change: p.Arg4179Gly; replaces arginine 4179 with glycine.
Molecular consequence: missense variant.
Genome position (GRCh38, 1-based): chr19:38,561,365, C>G. VCF-style: chr19-38561365-C-G. GRCh37 (hg19) VCF-style: chr19-39052005-C-G.
Other names: c.12520C>G, p.Arg4174Gly (NM_001042723.2); short protein forms R4174G, R4179G.
Identifiers: ClinVar variation 4756849 (VCV004756849.1).

ClinVar aggregate classification (germline): Uncertain significance (1 of 4 stars; one submission).

Conditions:
Malignant hyperthermia, susceptibility to, 1 (MHS1). Also called: RYR1-Related Malignant Hyperthermia Susceptibility; Malignant hyperthermia suceptibility 1; Anesthesia related hyperthermia; Malignant hyperpyrexia; Fulminating hyperpyrexia; Pharmacogenic myopathy. Identifiers: Orphanet 423, MedGen C2930980, MONDO:0007783, OMIM 145600.

Submission:

Color Diagnostics, LLC DBA Color Health
Classification: Uncertain significance for Malignant hyperthermia, susceptibility to, 1. Last evaluated: 2025-06-23. Review status: criteria provided, single submitter. Criteria: ACMG Guidelines, 2015. Collection method: clinical testing. Allele origin: germline.
Comment: This missense variant replaces arginine with glycine at codon 4179 of the RYR1 protein. Computational prediction suggests that this variant may have deleterious impact on protein structure and function. To our knowledge, functional studies have not been reported for this variant. This variant has not been reported in individuals affected with RYR1-related disorders in the literature. This variant has not been identified in the general population by the Genome Aggregation Database (gnomAD). The available evidence is insufficient to determine the role of this variant in disease conclusively. Therefore, this variant is classified as a Variant of Uncertain Significance.